The following is an entry in ClinVar:

NM_002474.3(MYH11):c.5504+8G>C

Genes: MYH11 (myosin heavy chain 11; minus strand), NDE1 (nudE neurodevelopment protein 1; plus strand). Cytogenetic location: 16p13.11.
Variant type: single nucleotide variant.
Coding change: c.5504+8G>C on transcript NM_002474.3 (MANE Select); 8 bases into the intron after coding-DNA position 5504, G replaced by C.
Molecular consequence: intron variant.
Genome position (GRCh38, 1-based): chr16:15,717,132, C>G on the plus strand (G>C on the coding strand, the complement: MYH11 is on the minus strand). VCF-style: chr16-15717132-C-G. GRCh37 (hg19) VCF-style: chr16-15810989-C-G.
Other names: c.948-7059C>G (NM_001143979.2, NM_017668.3); c.5504+8G>C (NM_022844.3); c.5525+8G>C (NM_001040114.2, NM_001040113.2).
Identifiers: ClinVar variation 138355 (VCV000138355.29), dbSNP rs148691719, ClinGen allele CA292325.

ClinVar aggregate classification (germline): Benign/Likely benign. Review status: criteria provided, multiple submitters, no conflicts (2 of 4 stars). 7 submissions from 7 submitters: Benign (5); Likely benign (2). Last evaluated 2026-02-01.

Conditions:
Familial thoracic aortic aneurysm and aortic dissection (TAAD). Also called: Thoracic aortic aneurysms and dissections. Identifiers: Orphanet 91387, MedGen C4707243, MONDO:0019625.
Aortic aneurysm, familial thoracic 4 (AAT4). Also called: AORTIC ANEURYSM/AORTIC DISSECTION AND PATENT DUCTUS ARTERIOSUS. Identifiers: MedGen C1851504, MONDO:0007568, OMIM 132900.

Allele frequency attached by ClinVar (database versions not stated): gnomAD exomes 0.00050 and 0.00141; ExAC 0.00166; 1000 Genomes Project 30x 0.00468; gnomAD 0.00476 and 0.00511; 1000 Genomes Project 0.00499; ESP Exome Variant Server 0.00508; TOPMed 0.00563.
gnomAD v4.1: 1,486 of 1,614,162 alleles (0.092%); highest among the groups gnomAD compares: African/African-American, 1.6%; 13 homozygotes.

Submissions (7):

Labcorp Genetics (formerly Invitae), Labcorp
Classification: Benign for Aortic aneurysm, familial thoracic 4. Last evaluated: 2026-02-01. Review status: criteria provided, single submitter. Criteria: Invitae Variant Classification Sherloc (09022015). Collection method: clinical testing. Allele origin: germline.

ARUP Laboratories, Molecular Genetics and Genomics, ARUP Laboratories
Classification: Benign. Last evaluated: 2025-06-25. Review status: criteria provided, single submitter. Criteria: ARUP Molecular Germline Variant Investigation Process 2024. Collection method: clinical testing. Allele origin: germline.

Blueprint Genetics
Classification: Likely benign. Last evaluated: 2024-11-21. Review status: criteria provided, single submitter. Criteria: ACMG Guidelines, 2015. Collection method: clinical testing. Allele origin: germline.

CHEO Genetics Diagnostic Laboratory, Children's Hospital of Eastern Ontario
Classification: Benign for Familial thoracic aortic aneurysm and aortic dissection. Last evaluated: 2022-12-01. Review status: criteria provided, single submitter. Criteria: ACMG Guidelines, 2015. Collection method: clinical testing. Allele origin: germline. Study: Canadian Open Genetics Repository.

Illumina Laboratory Services, Illumina
Classification: Likely benign for Aortic aneurysm, familial thoracic 4. Last evaluated: 2018-01-12. Review status: criteria provided, single submitter. Criteria: ICSL Variant Classification Criteria 13 December 2019. Collection method: clinical testing. Allele origin: germline.
Comment: This variant was observed in the ICSL laboratory as part of a predisposition screen in an ostensibly healthy population. It had not been previously curated by ICSL or reported in the Human Gene Mutation Database (HGMD: prior to June 1st, 2018), and was therefore a candidate for classification through an automated scoring system. Utilizing variant allele frequency, disease prevalence and penetrance estimates, and inheritance mode, an automated score was calculated to assess if this variant is too frequent to cause the disease. Based on the score and internal cut-off values, a variant classified as likely benign is not then subjected to further curation. The score for this variant resulted in a classification of likely benign for this disease.

GeneDx
Classification: Benign. Last evaluated: 2014-01-12. Review status: criteria provided, single submitter. Criteria: GeneDx Variant Classification (06012015). Collection method: clinical testing. Allele origin: germline. Affected: yes.
Comment: This variant is considered likely benign or benign based on one or more of the following criteria: it is a conservative change, it occurs at a poorly conserved position in the protein, it is predicted to be benign by multiple in silico algorithms, and/or has population frequency not consistent with disease.

PreventionGenetics, part of Exact Sciences
Classification: Benign. Review status: criteria provided, single submitter. Criteria: ACMG Guidelines, 2015. Collection method: clinical testing. Allele origin: germline.